The following is an entry in ClinVar:

ClinVar aggregate classification (germline): Likely benign. Review status: criteria provided, multiple submitters, no conflicts (2 of 4 stars). 3 submissions from 3 submitters: Likely benign (2). 1 of the submissions does not count toward it. Last evaluated 2026-01-13.

Conditions:
GPR179-related disorder. Also called: GPR179-related condition.

Allele frequency attached by ClinVar (database versions not stated): gnomAD exomes 0.00003 and 0.00008; ExAC 0.00004; gnomAD 0.00004 and 0.00005; TOPMed 0.00005; ESP Exome Variant Server 0.00008; 1000 Genomes Project 0.00020; 1000 Genomes Project 30x 0.00031.
gnomAD v4.1: 116 of 1,610,606 alleles (0.0072%); highest among the groups gnomAD compares: Middle Eastern, 0.017%; no homozygotes.

Submissions (3):

Labcorp Genetics (formerly Invitae), Labcorp
Classification: Likely benign. Last evaluated: 2026-01-13. Review status: criteria provided, single submitter. Criteria: Invitae Variant Classification Sherloc (09022015). Collection method: clinical testing. Allele origin: germline.

Blueprint Genetics
Classification: Likely benign. Last evaluated: 2024-11-19. Review status: criteria provided, single submitter. Criteria: ACMG Guidelines, 2015. Collection method: clinical testing. Allele origin: germline.

PreventionGenetics, part of Exact Sciences
Classification: Likely benign for GPR179-related condition. Last evaluated: 2019-07-22. Review status: no assertion criteria provided. Collection method: clinical testing. Allele origin: germline. Not counted in ClinVar's aggregate classification.
Comment: This variant is classified as likely benign based on ACMG/AMP sequence variant interpretation guidelines (Richards et al. 2015 PMID: 25741868, with internal and published modifications).

NM_001004334.4(GPR179):c.1113G>A (p.Pro371=)

Gene: GPR179 (G protein-coupled receptor 179; minus strand). Cytogenetic location: 17q12.
Variant type: single nucleotide variant.
Coding change: c.1113G>A on transcript NM_001004334.4 (MANE Select); coding-DNA position 1113, G replaced by A.
Protein change: p.Pro371=; no amino-acid change (proline 371 retained).
Molecular consequence: synonymous variant.
Genome position (GRCh38, 1-based): chr17:38,337,092, C>T on the plus strand (G>A on the coding strand, the complement: GPR179 is on the minus strand). VCF-style: chr17-38337092-C-T. GRCh37 (hg19) VCF-style: chr17-36492975-C-T.
Other names: c.1113G>A (NM_001004334.3).
Identifiers: ClinVar variation 1664111 (VCV001664111.11), dbSNP rs367683550, ClinGen allele CA290109377.